The following is an entry in ClinVar:

ClinVar aggregate classification (germline): Uncertain significance (1 of 4 stars; one submission).

Submission:

Labcorp Genetics (formerly Invitae), Labcorp
Classification: Uncertain significance. Last evaluated: 2025-11-18. Review status: criteria provided, single submitter. Criteria: Invitae Variant Classification Sherloc (09022015). Collection method: clinical testing. Allele origin: germline.
Comment: This sequence change replaces arginine, which is basic and polar, with leucine, which is neutral and non-polar, at codon 329 of the WNK4 protein (p.Arg329Leu). This variant is not present in population databases (gnomAD no frequency). This variant has not been reported in the literature in individuals affected with WNK4-related conditions. ClinVar contains an entry for this variant (Variation ID: 2799403). Experimental studies and prediction algorithms are not available or were not evaluated, and the functional significance of this variant is currently unknown. In summary, the available evidence is currently insufficient to determine the role of this variant in disease. Therefore, it has been classified as a Variant of Uncertain Significance.

NM_032387.5(WNK4):c.986G>T (p.Arg329Leu)

Genes: WNK4 (WNK lysine deficient protein kinase 4; plus strand), LOC126862568 (CDK7 strongly-dependent group 2 enhancer GRCh37_chr17:40934948-40936147; plus strand). Cytogenetic location: 17q21.2.
Variant type: single nucleotide variant.
Coding change: c.986G>T on transcript NM_032387.5 (MANE Select); coding-DNA position 986, G replaced by T.
Protein change: p.Arg329Leu; replaces arginine 329 with leucine.
Molecular consequence: missense variant.
Genome position (GRCh38, 1-based): chr17:42,784,131, G>T. VCF-style: chr17-42784131-G-T. GRCh37 (hg19) VCF-style: chr17-40936149-G-T.
Other names: c.67G>T, p.Ala23Ser (NM_001321299.2); short protein forms R329L, A23S.
Identifiers: ClinVar variation 2799403 (VCV002799403.3), dbSNP rs1274944321, ClinGen allele CA399650527.
Genomic context (GRCh38, chr17:42,784,131, plus strand): 5'-TTATCACGGGACCTACTGGCTCTGTCAAAATCGGGGACCTGGGCCTGGCCACGCTCAAGC[G>T]CGCCTCCTTTGCCAAGAGTGTCATCGGTGCGTCTCTCCAGGAGGGTCCATGCCATTCCTT-3'
Protein context (NP_115763.2, residues 319-339): IGDLGLATLK[Arg329Leu]ASFAKSVIGT